The following is an entry in ClinVar:

ClinVar aggregate classification (germline): Likely pathogenic (1 of 4 stars; one submission).

Conditions:
Ciliary dyskinesia, primary, 40. Also called: CILIARY DYSKINESIA, PRIMARY, 40, WITH OR WITHOUT SITUS INVERSUS. Identifiers: MedGen C4749028, MONDO:0032664, OMIM 618300.

gnomAD v4.1: 1 of 1,613,854 alleles (0.000062%); highest among the groups gnomAD compares: Middle Eastern, 0.017%; no homozygotes.

Submission:

First Genomix Gene Laboratory, Genetic Diagnostics Department
Classification: Likely pathogenic for Ciliary dyskinesia, primary, 40. Last evaluated: 2025-05-23. Review status: criteria provided, single submitter. Criteria: ACMG Guidelines, 2015. Collection method: clinical testing. Allele origin: germline. Inheritance: Autosomal recessive inheritance. Affected: no. Observed: 1 variant allele.

NM_001372.4(DNAH9):c.11262C>G (p.Tyr3754Ter)

Gene: DNAH9 (dynein axonemal heavy chain 9; plus strand). Cytogenetic location: 17p12.
Variant type: single nucleotide variant.
Coding change: c.11262C>G on transcript NM_001372.4 (MANE Select); coding-DNA position 11262, C replaced by G.
Protein change: p.Tyr3754Ter; replaces tyrosine 3754 with a stop codon.
Molecular consequence: nonsense.
Genome position (GRCh38, 1-based): chr17:11,891,926, C>G. VCF-style: chr17-11891926-C-G. GRCh37 (hg19) VCF-style: chr17-11795243-C-G.
Other names: c.198C>G, p.Tyr66Ter (NM_004662.2); short protein forms Y3754*, Y66*.
Identifiers: ClinVar variation 4849471 (VCV004849471.1).